The following is an entry in ClinVar:

NM_005422.4(TECTA):c.4009G>A (p.Ala1337Thr)

Genes: TBCEL-TECTA (TBCEL-TECTA readthrough; plus strand), TECTA (tectorin alpha; plus strand). Cytogenetic location: 11q23.3.
Variant type: single nucleotide variant.
Coding change: c.4009G>A on transcript NM_005422.4 (MANE Select); coding-DNA position 4009, G replaced by A.
Protein change: p.Ala1337Thr; replaces alanine 1337 with threonine.
Molecular consequence: missense variant.
Genome position (GRCh38, 1-based): chr11:121,146,020, G>A. VCF-style: chr11-121146020-G-A. GRCh37 (hg19) VCF-style: chr11-121016729-G-A.
Other names: c.4966G>A, p.Ala1656Thr (NM_001378761.1); short protein forms A1656T, A1337T.
Identifiers: ClinVar variation 2342114 (VCV002342114.7), dbSNP rs373655409, ClinGen allele CA6327329.
Genomic context (GRCh38, chr11:121,146,020, plus strand): 5'-AAAGTTAACCCCACCTTCTTCTATAAGAACTGCCTGTTTGACTCTTGCATCGATGGGGGC[G>A]CGGTGCAGACCGCCTGCAGCTGGCTGCAGAACTACGCCAGCACCTGCCAGACTCAGGGGA-3'
Protein context (NP_005413.2, residues 1327-1347): CLFDSCIDGG[Ala1337Thr]VQTACSWLQN

ClinVar aggregate classification (germline): Conflicting classifications of pathogenicity. Review status: criteria provided, conflicting classifications (1 of 4 stars). 4 submissions from 4 submitters: Uncertain significance (3); Likely benign (1). Last evaluated 2025-01-24.

Conditions:
Inborn genetic diseases. Identifiers: MedGen C0950123, MeSH D030342.
TECTA-related disorder. Also called: TECTA-related condition.

Allele frequency attached by ClinVar (database versions not stated): gnomAD 0.00003; ExAC 0.00004; ESP Exome Variant Server 0.00008; TOPMed 0.00011.
gnomAD v4.1: 38 of 1,613,902 alleles (0.0024%); highest among the groups gnomAD compares: African/African-American, 0.013%; no homozygotes.

Submissions (4):

PreventionGenetics, part of Exact Sciences
Classification: Uncertain significance for TECTA-related condition. Last evaluated: 2025-01-24. Review status: criteria provided, single submitter. Criteria: ACMG Guidelines, 2015. Collection method: clinical testing. Allele origin: germline.
Comment: The TECTA c.4009G>A variant is predicted to result in the amino acid substitution p.Ala1337Thr. To our knowledge, this variant has not been reported in the literature. This variant is reported in 0.019% of alleles in individuals of African descent in gnomAD. At this time, the clinical significance of this variant is uncertain due to the absence of conclusive functional and genetic evidence.

Labcorp Genetics (formerly Invitae), Labcorp
Classification: Likely benign. Last evaluated: 2023-11-13. Review status: criteria provided, single submitter. Criteria: Invitae Variant Classification Sherloc (09022015). Collection method: clinical testing. Allele origin: germline.

GeneDx
Classification: Uncertain significance. Last evaluated: 2023-06-02. Review status: criteria provided, single submitter. Criteria: GeneDx Variant Classification Process June 2021. Collection method: clinical testing. Allele origin: germline. Affected: yes.
Comment: In silico analysis supports that this missense variant does not alter protein structure/function; Has not been previously published as pathogenic or benign to our knowledge; This variant is associated with the following publications: (PMID: 9590290, 21520338, 31554319)

Ambry Genetics
Classification: Uncertain significance for Inborn genetic diseases. Last evaluated: 2022-11-10. Review status: criteria provided, single submitter. Criteria: Ambry Variant Classification Scheme 2023. Collection method: clinical testing. Allele origin: germline.